The following is an entry in ClinVar:

ClinVar aggregate classification (germline): Uncertain significance (1 of 4 stars; one submission).

Conditions:
Inborn genetic diseases. Identifiers: MedGen C0950123, MeSH D030342.

Submission:

Ambry Genetics
Classification: Uncertain significance for Inborn genetic diseases. Last evaluated: 2025-03-18. Review status: criteria provided, single submitter. Criteria: Ambry Variant Classification Scheme 2023. Collection method: clinical testing. Allele origin: germline.
Comment: The p.G237R variant (also known as c.709G>C), located in coding exon 2 of the GATA2 gene, results from a G to C substitution at nucleotide position 709. The glycine at codon 237 is replaced by arginine, an amino acid with dissimilar properties. This amino acid position is not well conserved in available vertebrate species. In addition, the in silico prediction for this alteration is inconclusive. Based on the available evidence, the clinical significance of this variant remains unclear.

NM_032638.5(GATA2):c.709G>C (p.Gly237Arg)

Gene: GATA2 (GATA binding protein 2; minus strand). Cytogenetic location: 3q21.3.
Variant type: single nucleotide variant.
Coding change: c.709G>C on transcript NM_032638.5 (MANE Select); coding-DNA position 709, G replaced by C.
Protein change: p.Gly237Arg; replaces glycine 237 with arginine.
Molecular consequence: missense variant.
Genome position (GRCh38, 1-based): chr3:128,485,889, C>G on the plus strand (G>C on the coding strand, the complement: GATA2 is on the minus strand). VCF-style: chr3-128485889-C-G. GRCh37 (hg19) VCF-style: chr3-128204732-C-G.
Other names: c.709G>C, p.Gly237Arg (NM_001145661.2, NM_001145662.1); short protein forms G237R.
Identifiers: ClinVar variation 4028465 (VCV004028465.1).